The following is an entry in ClinVar:

ClinVar aggregate classification (germline): Likely benign. Review status: criteria provided, multiple submitters, no conflicts (2 of 4 stars). 4 submissions from 4 submitters: Likely benign (4). Last evaluated 2025-01-01.

Allele frequency attached by ClinVar (database versions not stated): ExAC 0.00004; gnomAD exomes 0.00005; gnomAD 0.00006 and 0.00007; 1000 Genomes Project 30x 0.00031; 1000 Genomes Project 0.00040.
gnomAD v4.1: 71 of 1,471,678 alleles (0.0048%); highest among the groups gnomAD compares: Non-Finnish European, 0.0062%; no homozygotes.

Submissions (4):

CeGaT Center for Human Genetics Tuebingen
Classification: Likely benign. Last evaluated: 2025-01-01. Review status: criteria provided, single submitter. Criteria: CeGaT Center For Human Genetics Tuebingen Variant Classification Criteria Version 2. Collection method: clinical testing. Allele origin: germline. Affected: yes. Observed: 2 variant alleles.
Comment: MYT1L: BP4, BP7

Blueprint Genetics
Classification: Likely benign. Last evaluated: 2024-08-20. Review status: criteria provided, single submitter. Criteria: ACMG Guidelines, 2015. Collection method: clinical testing. Allele origin: germline.

GeneDx
Classification: Likely benign. Last evaluated: 2021-03-10. Review status: criteria provided, single submitter. Criteria: GeneDx Variant Classification Process June 2021. Collection method: clinical testing. Allele origin: germline. Affected: yes.

Labcorp Genetics (formerly Invitae), Labcorp
Classification: Likely benign. Last evaluated: 2017-11-28. Review status: criteria provided, single submitter. Criteria: Invitae Variant Classification Sherloc (09022015). Collection method: clinical testing. Allele origin: germline.

NM_001303052.2(MYT1L):c.387G>A (p.Arg129=)

Gene: MYT1L (myelin transcription factor 1 like; minus strand). Cytogenetic location: 2p25.3.
Variant type: single nucleotide variant.
Coding change: c.387G>A on transcript NM_001303052.2 (MANE Select); coding-DNA position 387, G replaced by A.
Protein change: p.Arg129=; no amino-acid change (arginine 129 retained).
Molecular consequence: synonymous variant.
Genome position (GRCh38, 1-based): chr2:1,943,100, C>T on the plus strand (G>A on the coding strand, the complement: MYT1L is on the minus strand). VCF-style: chr2-1943100-C-T. GRCh37 (hg19) VCF-style: chr2-1946872-C-T.
Other names: c.387G>A, p.Arg129= (NM_001329844.2, NM_001329845.1, NM_001329846.3 and 6 more transcripts).
Identifiers: ClinVar variation 728452 (VCV000728452.30), dbSNP rs138932120, ClinGen allele CA1514403.